The following is an entry in ClinVar:

ClinVar aggregate classification (germline): Pathogenic (1 of 4 stars; one submission).

Conditions:
Primary ciliary dyskinesia 3. Identifiers: Orphanet 244, MedGen C1837618, MONDO:0012085, OMIM 608644.

Submission:

Myriad Genetics, Inc.
Classification: Pathogenic for Primary ciliary dyskinesia 3. Last evaluated: 2024-05-14. Review status: criteria provided, single submitter. Criteria: Myriad Autosomal Dominant, Autosomal Recessive and X-Linked Classification Criteria (2023). Collection method: clinical testing. Allele origin: unknown.
Comment: NM_001369.2(DNAH5):c.5388del1ins18(S1798Mfs*12) is expected to be pathogenic in the context of primary ciliary dyskinesia, DNAH5-related. This variant is predicted to lead to an abnormal or absent protein product due to the creation of a premature termination codon in DNAH5, a gene where loss-of-function variants are known to be pathogenic. Please note: this variant was assessed in the context of healthy population screening.

NM_001369.3(DNAH5):c.5388delinsACAGATGTGTATAAGAGA (p.Ser1798fs)

Gene: DNAH5 (dynein axonemal heavy chain 5; minus strand). Cytogenetic location: 5p15.2.
Variant type: Indel.
Coding change: c.5388delinsACAGATGTGTATAAGAGA on transcript NM_001369.3 (MANE Select); coding-DNA position 5388, T replaced by ACAGATGTGTATAAGAGA.
Protein change: p.Ser1798fs; shifts the reading frame from serine 1798.
Molecular consequence: frameshift variant.
Genome position (GRCh38, 1-based): chr5:13,841,788, A replaced by TCTCTTATACACATCTGT on the plus strand (T replaced by ACAGATGTGTATAAGAGA on the coding strand, the reverse complement: DNAH5 is on the minus strand). VCF-style: chr5-13841788-A-TCTCTTATACACATCTGT. GRCh37 (hg19) VCF-style: chr5-13841897-A-TCTCTTATACACATCTGT.
Other names: short protein forms S1798fs.
Identifiers: ClinVar variation 5016375 (VCV005016375.1).